The following is an entry in ClinVar:

ClinVar aggregate classification (germline): Uncertain significance (1 of 4 stars; one submission).

Submission:

Labcorp Genetics (formerly Invitae), Labcorp
Classification: Uncertain significance. Last evaluated: 2021-02-13. Review status: criteria provided, single submitter. Criteria: Invitae Variant Classification Sherloc (09022015). Collection method: clinical testing. Allele origin: germline.
Comment: In summary, the available evidence is currently insufficient to determine the role of this variant in disease. Therefore, it has been classified as a Variant of Uncertain Significance. Advanced modeling of protein sequence and biophysical properties (such as structural, functional, and spatial information, amino acid conservation, physicochemical variation, residue mobility, and thermodynamic stability) performed at Invitae indicates that this missense variant is expected to disrupt BEST1 protein function. This variant has not been reported in the literature in individuals with BEST1-related conditions. This variant is not present in population databases (ExAC no frequency). This sequence change replaces phenylalanine with leucine at codon 248 of the BEST1 protein (p.Phe248Leu). The phenylalanine residue is highly conserved and there is a small physicochemical difference between phenylalanine and leucine.

NM_004183.4(BEST1):c.744C>A (p.Phe248Leu)

Gene: BEST1 (bestrophin 1; plus strand). Cytogenetic location: 11q12.3.
Variant type: single nucleotide variant.
Coding change: c.744C>A on transcript NM_004183.4 (MANE Select); coding-DNA position 744, C replaced by A.
Protein change: p.Phe248Leu; replaces phenylalanine 248 with leucine.
Molecular consequence: missense variant. On other transcripts: non-coding transcript variant (1).
Genome position (GRCh38, 1-based): chr11:61,958,175, C>A. VCF-style: chr11-61958175-C-A. GRCh37 (hg19) VCF-style: chr11-61725647-C-A.
Other names: c.564C>A, p.Phe188Leu (NM_001139443.3, NM_001300786.2, NM_001300787.2); c.426C>A, p.Phe142Leu (NM_001363591.3); c.744C>A, p.Phe248Leu (NM_001363592.2); c.-432C>A (NM_001363593.3); short protein forms F142L, F188L, F248L.
Identifiers: ClinVar variation 1369486 (VCV001369486.8), dbSNP rs2134445000, ClinGen allele CA380839540.